The following is an entry in ClinVar:

ClinVar aggregate classification (germline): Uncertain significance (1 of 4 stars; one submission).

Conditions:
KRT10-related disorder. Also called: KRT10-related condition.

Submission:

PreventionGenetics, part of Exact Sciences
Classification: Uncertain significance for KRT10-related condition. Last evaluated: 2026-02-15. Review status: criteria provided, single submitter. Criteria: ACMG Guidelines, 2015. Collection method: clinical testing. Allele origin: germline.
Comment: The KRT10 c.1238C>T variant is predicted to result in the amino acid substitution p.Ala413Val. To our knowledge, this variant has not been reported in the literature. This variant is reported in 0.032% of alleles in individuals of African descent in gnomAD. At this time, the clinical significance of this variant is uncertain due to the absence of conclusive functional and genetic evidence.

NM_000421.5(KRT10):c.1238C>T (p.Ala413Val)

Genes: KRT10 (keratin 10; minus strand), KRT10-AS1 (KRT10 antisense RNA 1; plus strand). Cytogenetic location: 17q21.2.
Variant type: single nucleotide variant.
Coding change: c.1238C>T on transcript NM_000421.5 (MANE Select); coding-DNA position 1238, C replaced by T.
Protein change: p.Ala413Val; replaces alanine 413 with valine.
Molecular consequence: missense variant.
Genome position (GRCh38, 1-based): chr17:40,819,652, G>A on the plus strand (C>T on the coding strand, the complement: KRT10 is on the minus strand). VCF-style: chr17-40819652-G-A. GRCh37 (hg19) VCF-style: chr17-38975904-G-A.
Other names: c.1238C>T, p.Ala413Val (NM_001379366.1); short protein forms A413V.
Identifiers: ClinVar variation 4981259 (VCV004981259.1).